The following is an entry in ClinVar:

NM_020338.4(ZMIZ1):c.2019+1G>A

Gene: ZMIZ1 (zinc finger MIZ-type containing 1; plus strand). Cytogenetic location: 10q22.3.
Variant type: single nucleotide variant.
Coding change: c.2019+1G>A on transcript NM_020338.4 (MANE Select); the canonical splice donor site of the intron after coding-DNA position 2019, G replaced by A.
Molecular consequence: splice donor variant.
Genome position (GRCh38, 1-based): chr10:79,300,943, G>A. VCF-style: chr10-79300943-G-A. GRCh37 (hg19) VCF-style: chr10-81060700-G-A.
Identifiers: ClinVar variation 1708958 (VCV001708958.4), dbSNP rs1854257578, ClinGen allele CA377340346.

ClinVar aggregate classification (germline): Pathogenic/Likely pathogenic. Review status: criteria provided, multiple submitters, no conflicts (2 of 4 stars). 3 submissions from 3 submitters: Pathogenic (1); Likely pathogenic (2). Last evaluated 2025-06-26.

Conditions:
Neurodevelopmental disorder with dysmorphic facies and distal skeletal anomalies. Identifiers: MedGen C5231448, MONDO:0032855, OMIM 618659.

Allele frequency attached by ClinVar (database versions not stated): TOPMed 0.00001.

Submissions (3):

GeneDx
Classification: Pathogenic. Last evaluated: 2025-06-26. Review status: criteria provided, single submitter. Criteria: GeneDx Variant Classification Process June 2021. Collection method: clinical testing. Allele origin: germline. Affected: yes.
Comment: Canonical splice site variant predicted to result in a null allele in a gene for which loss of function is a known mechanism of disease; Not observed at significant frequency in large population cohorts (gnomAD); Has not been previously published as pathogenic or benign to our knowledge

Greenwood Genetic Center Diagnostic Laboratories, Greenwood Genetic Center
Classification: Likely pathogenic for Neurodevelopmental disorder with dysmorphic facies and distal skeletal anomalies. Last evaluated: 2023-04-21. Review status: criteria provided, single submitter. Criteria: ACMG Guidelines, 2015. Collection method: clinical testing. Allele origin: germline. Affected: yes.
Comment: PVS1, PM2

MGZ Medical Genetics Center
Classification: Likely pathogenic for Neurodevelopmental disorder with dysmorphic facies and distal skeletal anomalies. Last evaluated: 2021-11-26. Review status: criteria provided, single submitter. Criteria: ACMG Guidelines, 2015. Collection method: clinical testing. Allele origin: germline. Affected: yes. Observed: 1 variant allele.
Comment: ACMG criteria applied: PVS1, PM2_SUP